The following is an entry in ClinVar:

NM_001379110.1(SLC9A6):c.1582-9T>C

Gene: SLC9A6 (solute carrier family 9 member A6; plus strand). Cytogenetic location: Xq26.3.
Variant type: single nucleotide variant.
Coding change: c.1582-9T>C on transcript NM_001379110.1 (MANE Select); 9 bases into the intron before coding-DNA position 1582, T replaced by C.
Molecular consequence: intron variant.
Genome position (GRCh38, 1-based): chrX:136,033,405, T>C. VCF-style: chrX-136033405-T-C. GRCh37 (hg19) VCF-style: chrX-135115564-T-C.
Other names: c.1648-9T>C (NM_001042537.2); c.1552-9T>C (NM_006359.3); c.1492-9T>C (NM_001177651.2); c.1396-9T>C (NM_001330652.2).
Identifiers: ClinVar variation 1541411 (VCV001541411.9), dbSNP rs782039050, ClinGen allele CA10524834.
Genomic context (GRCh38, chrX:136,033,405, plus strand): 5'-AAAGGAATGGCTCTAAATAAATGTTCATATCTTTGTATAGATATTGATTTCTGTATTATC[T>C]ATCTGCAGGGTGTTCCTGAAAATGAAAGGAGAACTACCAAAGCAGAGAGTGCTTGGCTTT-3'

ClinVar aggregate classification (germline): Conflicting classifications of pathogenicity. Review status: criteria provided, conflicting classifications (1 of 4 stars). 2 submissions from 2 submitters: Uncertain significance (1); Likely benign (1). Last evaluated 2024-06-04.

Conditions:
Christianson syndrome (MRXSCH). Also called: SLC9A6-Related Syndromic Mental Retardation; INTELLECTUAL DEVELOPMENTAL DISORDER, X-LINKED, SYNDROMIC, CHRISTIANSON TYPE; X-linked mental retardation, syndromic, Christianson type. Identifiers: Orphanet 85278, MedGen C2678194, MONDO:0010278, OMIM 300243.

Allele frequency attached by ClinVar (database versions not stated): gnomAD exomes below 0.00001 and 0.00001; ExAC 0.00001; TOPMed 0.00002; gnomAD 0.00003.
gnomAD v4.1: 4 of 1,115,927 alleles (0.00036%); highest among the groups gnomAD compares: Non-Finnish European, 0.00049%; no homozygotes.

Submissions (2):

Labcorp Genetics (formerly Invitae), Labcorp
Classification: Likely benign for Christianson syndrome. Last evaluated: 2024-06-04. Review status: criteria provided, single submitter. Criteria: Invitae Variant Classification Sherloc (09022015). Collection method: clinical testing. Allele origin: germline.

GeneDx
Classification: Uncertain significance. Last evaluated: 2023-08-01. Review status: criteria provided, single submitter. Criteria: GeneDx Variant Classification Process June 2021. Collection method: clinical testing. Allele origin: germline. Affected: yes.
Comment: Has not been previously published as pathogenic or benign to our knowledge; In silico analysis is inconclusive as to whether the variant alters gene splicing. In the absence of RNA/functional studies, the actual effect of this sequence change is unknown.